The following is an entry in ClinVar:

NM_004795.4(KL):c.3011C>T (p.Ser1004Leu)

Gene: KL (klotho; plus strand). Cytogenetic location: 13q13.1.
Variant type: single nucleotide variant.
Coding change: c.3011C>T on transcript NM_004795.4 (MANE Select); coding-DNA position 3011, C replaced by T.
Protein change: p.Ser1004Leu; replaces serine 1004 with leucine.
Molecular consequence: missense variant.
Genome position (GRCh38, 1-based): chr13:33,064,158, C>T. VCF-style: chr13-33064158-C-T. GRCh37 (hg19) VCF-style: chr13-33638295-C-T.
Other names: short protein forms S1004L.
Identifiers: ClinVar variation 2171081 (VCV002171081.4), dbSNP rs770254221, ClinGen allele CA6944425.

ClinVar aggregate classification (germline): Uncertain significance (1 of 4 stars; one submission).

Allele frequency attached by ClinVar (database versions not stated): ExAC 0.00003; gnomAD exomes 0.00005; gnomAD 0.00007; TOPMed 0.00008.
gnomAD v4.1: 87 of 1,608,720 alleles (0.0054%); highest among the groups gnomAD compares: African/African-American, 0.016%; no homozygotes.

Submission:

Labcorp Genetics (formerly Invitae), Labcorp
Classification: Uncertain significance. Last evaluated: 2025-01-30. Review status: criteria provided, single submitter. Criteria: Invitae Variant Classification Sherloc (09022015). Collection method: clinical testing. Allele origin: germline.
Comment: This sequence change replaces serine, which is neutral and polar, with leucine, which is neutral and non-polar, at codon 1004 of the KL protein (p.Ser1004Leu). This variant is present in population databases (rs770254221, gnomAD 0.01%). This variant has not been reported in the literature in individuals affected with KL-related conditions. ClinVar contains an entry for this variant (Variation ID: 2171081). Invitae Evidence Modeling of protein sequence and biophysical properties (such as structural, functional, and spatial information, amino acid conservation, physicochemical variation, residue mobility, and thermodynamic stability) indicates that this missense variant is not expected to disrupt KL protein function with a negative predictive value of 80%. In summary, the available evidence is currently insufficient to determine the role of this variant in disease. Therefore, it has been classified as a Variant of Uncertain Significance.